The following is an entry in ClinVar:

ClinVar aggregate classification (germline): Uncertain significance (1 of 4 stars; one submission).

Conditions:
Autoimmune lymphoproliferative syndrome type 2B. Also called: AUTOIMMUNE LYMPHOPROLIFERATIVE SYNDROME, TYPE IIB. Identifiers: Orphanet 275517, MedGen C1846545, MONDO:0011804, OMIM 607271.

Allele frequency attached by ClinVar (database versions not stated): gnomAD exomes below 0.00001; ExAC 0.00001.
gnomAD v4.1: 1 of 1,614,152 alleles (0.000062%); highest among the groups gnomAD compares: East Asian, 0.0022%; no homozygotes.

Submission:

Labcorp Genetics (formerly Invitae), Labcorp
Classification: Uncertain significance for Autoimmune lymphoproliferative syndrome type 2B. Last evaluated: 2020-12-10. Review status: criteria provided, single submitter. Criteria: Invitae Variant Classification Sherloc (09022015). Collection method: clinical testing. Allele origin: germline.
Comment: In summary, the available evidence is currently insufficient to determine the role of this variant in disease. Therefore, it has been classified as a Variant of Uncertain Significance. Algorithms developed to predict the effect of missense changes on protein structure and function output the following: SIFT: "Tolerated"; PolyPhen-2: "Benign"; Align-GVGD: "Class C0". The alanine amino acid residue is found in multiple mammalian species, suggesting that this missense change does not adversely affect protein function. These predictions have not been confirmed by published functional studies and their clinical significance is uncertain. This variant has not been reported in the literature in individuals with CASP8-related disease. This variant is present in population databases (rs758525204, ExAC 0.01%). This sequence change replaces glycine with alanine at codon 385 of the CASP8 protein (p.Gly385Ala). The glycine residue is moderately conserved and there is a small physicochemical difference between glycine and alanine.

NM_001372051.1(CASP8):c.1103G>C (p.Gly368Ala)

Gene: CASP8 (caspase 8; plus strand). Cytogenetic location: 2q33.1.
Variant type: single nucleotide variant.
Coding change: c.1103G>C on transcript NM_001372051.1 (MANE Select); coding-DNA position 1103, G replaced by C.
Protein change: p.Gly368Ala; replaces glycine 368 with alanine.
Molecular consequence: missense variant. On other transcripts: non-coding transcript variant (22), intron variant (1).
Genome position (GRCh38, 1-based): chr2:201,285,116, G>C. VCF-style: chr2-201285116-G-C. GRCh37 (hg19) VCF-style: chr2-202149839-G-C.
Other names: c.461G>C, p.Gly154Ala (NM_001400676.1, NM_001400677.1, NM_001400678.1 and 2 more transcripts); c.488G>C, p.Gly163Ala (NM_001400680.1, NM_001400674.1); c.506G>C, p.Gly169Ala (NM_001400750.1, NM_001400671.1, NM_001400672.1 and 1 more transcripts); c.1058G>C, p.Gly353Ala (NM_001080124.2, NM_033356.4, NM_001400658.1 and 5 more transcripts); c.1103G>C, p.Gly368Ala (NM_033355.4, NM_001400648.1, NM_001400651.1 and 5 more transcripts); c.1280G>C, p.Gly427Ala (NM_001080125.2); c.1154G>C, p.Gly385Ala (NM_001228.5); c.1235G>C, p.Gly412Ala (NM_001400642.1); and 7 more; short protein forms G385A, G368A, G353A, G427A, G154A, G163A, G169A, G265A.
Identifiers: ClinVar variation 576198 (VCV000576198.9), dbSNP rs758525204, ClinGen allele CA2053752.